The following is an entry in ClinVar:

ClinVar aggregate classification (germline): Likely benign (1 of 4 stars; one submission).

gnomAD v4.1: 14 of 1,613,380 alleles (0.00087%); highest among the groups gnomAD compares: Non-Finnish European, 0.0012%; no homozygotes.

Submission:

CeGaT Center for Human Genetics Tuebingen
Classification: Likely benign. Last evaluated: 2025-10-01. Review status: criteria provided, single submitter. Criteria: CeGaT Center For Human Genetics Tuebingen Variant Classification Criteria Version 2. Collection method: clinical testing. Allele origin: germline. Affected: yes. Observed: 1 variant allele.
Comment: FBN2: BP4, BP7

NM_001999.4(FBN2):c.6009A>G (p.Glu2003=)

Gene: FBN2 (fibrillin 2; minus strand). Cytogenetic location: 5q23.3.
Variant type: single nucleotide variant.
Coding change: c.6009A>G on transcript NM_001999.4 (MANE Select); coding-DNA position 6009, A replaced by G.
Protein change: p.Glu2003=; no amino-acid change (glutamic acid 2003 retained).
Molecular consequence: synonymous variant.
Genome position (GRCh38, 1-based): chr5:128,301,419, T>C on the plus strand (A>G on the coding strand, the complement: FBN2 is on the minus strand). VCF-style: chr5-128301419-T-C. GRCh37 (hg19) VCF-style: chr5-127637111-T-C.
Identifiers: ClinVar variation 4534379 (VCV004534379.6).